The following is an entry in ClinVar:

NM_020937.4(FANCM):c.64A>C (p.Thr22Pro)

Genes: FANCM (FA complementation group M; plus strand), LOC130055524 (ATAC-STARR-seq lymphoblastoid active region 8299; plus strand). Cytogenetic location: 14q21.2.
Variant type: single nucleotide variant.
Coding change: c.64A>C on transcript NM_020937.4 (MANE Select); coding-DNA position 64, A replaced by C.
Protein change: p.Thr22Pro; replaces threonine 22 with proline.
Molecular consequence: missense variant.
Genome position (GRCh38, 1-based): chr14:45,136,095, A>C. VCF-style: chr14-45136095-A-C. GRCh37 (hg19) VCF-style: chr14-45605298-A-C.
Other names: c.64A>C, p.Thr22Pro (NM_001308133.2, NM_001308134.2); short protein forms T22P.
Identifiers: ClinVar variation 5021506 (VCV005021506.1).

ClinVar aggregate classification (germline): Uncertain significance (1 of 4 stars; one submission).

Conditions:
Inborn genetic diseases. Identifiers: MedGen C0950123, MeSH D030342.

Submission:

Ambry Genetics
Classification: Uncertain significance for Inborn genetic diseases. Last evaluated: 2026-08-19. Review status: criteria provided, single submitter. Criteria: Ambry Variant Classification Scheme 2023. Collection method: clinical testing. Allele origin: germline.
Comment: The p.T22P variant (also known as c.64A>C), located in coding exon 1 of the FANCM gene, results from an A to C substitution at nucleotide position 64. The threonine at codon 22 is replaced by proline, an amino acid with highly similar properties. This amino acid position is conserved. In addition, this alteration is predicted to be tolerated by in silico analysis. Based on the available evidence, the clinical significance of this variant remains unclear.